The following is an entry in ClinVar:

ClinVar aggregate classification (germline): Likely benign. Review status: criteria provided, multiple submitters, no conflicts (2 of 4 stars). 2 submissions from 2 submitters: Likely benign (2). Last evaluated 2023-03-01.

Submissions (2):

CeGaT Center for Human Genetics Tuebingen
Classification: Likely benign. Last evaluated: 2023-03-01. Review status: criteria provided, single submitter. Criteria: CeGaT Center For Human Genetics Tuebingen Variant Classification Criteria Version 2. Collection method: clinical testing. Allele origin: germline. Affected: yes. Observed: 1 variant allele.
Comment: CTNND2: BS2

GeneDx
Classification: Likely benign. Last evaluated: 2021-02-19. Review status: criteria provided, single submitter. Criteria: GeneDx Variant Classification Process June 2021. Collection method: clinical testing. Allele origin: germline. Affected: yes.

NM_001332.4(CTNND2):c.656CGC[10] (p.Pro225_Pro226dup)

Gene: CTNND2 (catenin delta 2; minus strand). Cytogenetic location: 5p15.2.
Variant type: Microsatellite.
Coding change: c.656CGC[10] on transcript NM_001332.4 (MANE Select); ten copies in a row of the 3-base unit CGC starting at c.656; the reference has eight copies in a row; two copies, 6 bases duplicated.
Protein change: p.Pro225_Pro226dup.
Molecular consequence: inframe insertion. On other transcripts: intron variant (3).
Genome position (GRCh38, 1-based): chr5:11,385,163-11,385,168, GCGGCG duplicated on the plus strand (CGCCGC on the coding strand, the reverse complement: CTNND2 is on the minus strand); duplicating any 6 consecutive bases within chr5:11,385,163-11,385,186 gives the same sequence; the position shown is the placement nearest the transcript's 3' end. VCF-style (leftmost placement, unchanged base first): chr5-11385162-C-CGCGGCG. GRCh37 (hg19) VCF-style: chr5-11385274-C-CGCGGCG.
Other names: c.383CGC[10], p.Pro134_Pro135dup (NM_001288715.1); c.-123+11845CGC[10] (NM_001288717.2); c.167-20296CGC[10] (NM_001364128.2, NM_001288716.1).
Identifiers: ClinVar variation 1320597 (VCV001320597.26), dbSNP rs557341981, ClinGen allele CA114394859.